The following is an entry in ClinVar:

ClinVar aggregate classification (germline): Uncertain significance (1 of 4 stars; one submission).

Submission:

Labcorp Genetics (formerly Invitae), Labcorp
Classification: Uncertain significance. Last evaluated: 2018-05-25. Review status: criteria provided, single submitter. Criteria: Invitae Variant Classification Sherloc (09022015). Collection method: clinical testing. Allele origin: germline.
Comment: In summary, the available evidence is currently insufficient to determine the role of this variant in disease. Therefore, it has been classified as a Variant of Uncertain Significance. Algorithms developed to predict the effect of missense changes on protein structure and function are either unavailable or do not agree on the potential impact of this missense change (SIFT: "Deleterious"; PolyPhen-2: "Probably Damaging"; Align-GVGD: "Class C0"). This variant has not been reported in the literature in individuals with VARS-related disease. This variant is not present in population databases (ExAC no frequency). This sequence change replaces leucine with phenylalanine at codon 953 of the VARS protein (p.Leu953Phe). The leucine residue is highly conserved and there is a small physicochemical difference between leucine and phenylalanine.

NM_006295.3(VARS1):c.2857C>T (p.Leu953Phe)

Gene: VARS1 (valyl-tRNA synthetase 1; minus strand). Cytogenetic location: 6p21.33.
Variant type: single nucleotide variant.
Coding change: c.2857C>T on transcript NM_006295.3 (MANE Select); coding-DNA position 2857, C replaced by T.
Protein change: p.Leu953Phe; replaces leucine 953 with phenylalanine.
Molecular consequence: missense variant.
Genome position (GRCh38, 1-based): chr6:31,780,509, G>A on the plus strand (C>T on the coding strand, the complement: VARS1 is on the minus strand). VCF-style: chr6-31780509-G-A. GRCh37 (hg19) VCF-style: chr6-31748286-G-A.
Other names: short protein forms L953F.
Identifiers: ClinVar variation 1060844 (VCV001060844.9), dbSNP rs2151419153, ClinGen allele CA363442744.